The following is an entry in ClinVar:

ClinVar aggregate classification (germline): Pathogenic/Likely pathogenic. Review status: criteria provided, multiple submitters, no conflicts (2 of 4 stars). 3 submissions from 3 submitters: Pathogenic (2); Likely pathogenic (1). Last evaluated 2024-05-16.

Conditions:
Charcot-Marie-Tooth disease type 4. Also called: Charcot-Marie-Tooth disease, type IV; Charcot-Marie-Tooth, Type 4. Identifiers: Orphanet 64749, MedGen C4082197, MONDO:0018995.
Inborn genetic diseases. Identifiers: MedGen C0950123, MeSH D030342.

Allele frequency attached by ClinVar (database versions not stated): gnomAD exomes below 0.00001.
gnomAD v4.1: 8 of 1,406,568 alleles (0.00057%); highest among the groups gnomAD compares: Non-Finnish European, 0.0007%; no homozygotes.

Submissions (3):

Ambry Genetics
Classification: Pathogenic for Inborn genetic diseases. Last evaluated: 2024-05-16. Review status: criteria provided, single submitter. Criteria: Ambry Variant Classification Scheme 2023. Collection method: clinical testing. Allele origin: germline.
Comment: The c.454C>T (p.R152*) alteration, located in exon 5 (coding exon 5) of the FIG4 gene, consists of a C to T substitution at nucleotide position 454. This changes the amino acid from an arginine (R) to a stop codon at amino acid position 152. This alteration is expected to result in loss of function by premature protein truncation or nonsense-mediated mRNA decay. This allele was reported in one heterozygous individual in population-based cohorts in the Genome Aggregation Database (gnomAD). Based on the available evidence, this alteration is classified as pathogenic.

Labcorp Genetics (formerly Invitae), Labcorp
Classification: Pathogenic for Charcot-Marie-Tooth disease type 4. Last evaluated: 2022-03-19. Review status: criteria provided, single submitter. Criteria: Invitae Variant Classification Sherloc (09022015). Collection method: clinical testing. Allele origin: germline.
Comment: This variant has not been reported in the literature in individuals affected with FIG4-related conditions. For these reasons, this variant has been classified as Pathogenic. ClinVar contains an entry for this variant (Variation ID: 1256225). This variant is present in population databases (no rsID available, gnomAD 0.0009%). This sequence change creates a premature translational stop signal (p.Arg152*) in the FIG4 gene. It is expected to result in an absent or disrupted protein product. Loss-of-function variants in FIG4 are known to be pathogenic (PMID: 23623387).

Athena Diagnostics
Classification: Likely pathogenic. Last evaluated: 2021-03-30. Review status: criteria provided, single submitter. Criteria: Athena Diagnostics criteria. Collection method: clinical testing. Allele origin: unknown.
Comment: This variant is expected to result in the loss of a functional protein. The frequency of this variant in the general population is consistent with pathogenicity.

Literature cited by the submitters: PubMed 23623387 (cited by Labcorp Genetics (formerly Invitae), Labcorp).

NM_014845.6(FIG4):c.454C>T (p.Arg152Ter)

Gene: FIG4 (FIG4 phosphoinositide 5-phosphatase; plus strand). Cytogenetic location: 6q21.
Variant type: single nucleotide variant.
Coding change: c.454C>T on transcript NM_014845.6 (MANE Select); coding-DNA position 454, C replaced by T.
Protein change: p.Arg152Ter; replaces arginine 152 with a stop codon.
Molecular consequence: nonsense.
Genome position (GRCh38, 1-based): chr6:109,732,644, C>T. VCF-style: chr6-109732644-C-T. GRCh37 (hg19) VCF-style: chr6-110053847-C-T.
Other names: short protein forms R152*.
Identifiers: ClinVar variation 1256225 (VCV001256225.7), dbSNP rs1175493477, ClinGen allele CA365218332.